The following is an entry in ClinVar:

NM_205836.3(FBXO38):c.505C>T (p.Arg169Cys)

Gene: FBXO38 (F-box protein 38; plus strand). Cytogenetic location: 5q32.
Variant type: single nucleotide variant.
Coding change: c.505C>T on transcript NM_205836.3 (MANE Select); coding-DNA position 505, C replaced by T.
Protein change: p.Arg169Cys; replaces arginine 169 with cysteine.
Molecular consequence: missense variant.
Genome position (GRCh38, 1-based): chr5:148,402,426, C>T. VCF-style: chr5-148402426-C-T. GRCh37 (hg19) VCF-style: chr5-147781989-C-T.
Other names: c.505C>T, p.Arg169Cys (NM_001271723.2, NM_030793.5); short protein forms R169C.
Identifiers: ClinVar variation 2838680 (VCV002838680.3), dbSNP rs2531710069, ClinGen allele CA361655191.

ClinVar aggregate classification (germline): Uncertain significance (1 of 4 stars; one submission).

Conditions:
Distal hereditary motor neuropathy type 2. Identifiers: Orphanet 139525, MedGen C3711384, MeSH C580044, MONDO:0015352.

Allele frequency attached by ClinVar (database versions not stated): gnomAD exomes below 0.00001.
gnomAD v4.1: 4 of 1,612,916 alleles (0.00025%); highest among the groups gnomAD compares: South Asian, 0.0022%; no homozygotes.

Submission:

Labcorp Genetics (formerly Invitae), Labcorp
Classification: Uncertain significance for Distal hereditary motor neuropathy type 2. Last evaluated: 2023-02-18. Review status: criteria provided, single submitter. Criteria: Invitae Variant Classification Sherloc (09022015). Collection method: clinical testing. Allele origin: germline.
Comment: In summary, the available evidence is currently insufficient to determine the role of this variant in disease. Therefore, it has been classified as a Variant of Uncertain Significance. Advanced modeling of protein sequence and biophysical properties (such as structural, functional, and spatial information, amino acid conservation, physicochemical variation, residue mobility, and thermodynamic stability) has been performed at Invitae for this missense variant, however the output from this modeling did not meet the statistical confidence thresholds required to predict the impact of this variant on FBXO38 protein function. This variant has not been reported in the literature in individuals affected with FBXO38-related conditions. This variant is not present in population databases (gnomAD no frequency). This sequence change replaces arginine, which is basic and polar, with cysteine, which is neutral and slightly polar, at codon 169 of the FBXO38 protein (p.Arg169Cys).